The following is an entry in ClinVar:

ClinVar aggregate classification (germline): Pathogenic (1 of 4 stars; one submission).

Conditions:
Fanconi anemia complementation group J. Also called: BRIP1-Related Fanconi Anemia. Identifiers: Orphanet 84, MedGen C1836860, MONDO:0012187, OMIM 609054.
Familial cancer of breast. Also called: BREAST CANCER, FAMILIAL; Hereditary breast cancer; hereditary breast carcinoma. Identifiers: Orphanet 227535, MedGen C0346153, MONDO:0016419, OMIM 114480. Disease mechanism: loss of function.

Submission:

Labcorp Genetics (formerly Invitae), Labcorp
Classification: Pathogenic for Familial cancer of breast; Fanconi anemia complementation group J. Last evaluated: 2025-12-06. Review status: criteria provided, single submitter. Criteria: Invitae Variant Classification Sherloc (09022015). Collection method: clinical testing. Allele origin: germline.
Comment: This sequence change creates a premature translational stop signal (p.Phe248Leufs*26) in the BRIP1 gene. It is expected to result in an absent or disrupted protein product. Loss-of-function variants in BRIP1 are known to be pathogenic (PMID: 16116423, 17033622, 21964575). This variant is not present in population databases (gnomAD no frequency). This variant has not been reported in the literature in individuals affected with BRIP1-related conditions. For these reasons, this variant has been classified as Pathogenic.

Literature cited by the submitters: PubMed 16116423; PubMed 17033622; PubMed 21964575.

NM_032043.3(BRIP1):c.744del (p.Phe248fs)

Gene: BRIP1 (BRCA1 interacting DNA helicase 1; minus strand). Cytogenetic location: 17q23.2.
Variant type: Deletion.
Coding change: c.744del on transcript NM_032043.3 (MANE Select); coding-DNA position 744, one base deleted (T; older notation c.744delT).
Protein change: p.Phe248fs; shifts the reading frame from phenylalanine 248.
Molecular consequence: frameshift variant.
Genome position (GRCh38, 1-based): chr17:61,808,641, A deleted on the plus strand (T on the coding strand, the reverse complement: BRIP1 is on the minus strand); the first of 4 consecutive A bases (chr17:61,808,641-61,808,644); deleting any one gives the same sequence. VCF-style (leftmost placement, unchanged base first): chr17-61808640-CA-C. GRCh37 (hg19) VCF-style: chr17-59886001-CA-C.
Other names: short protein forms F248fs.
Identifiers: ClinVar variation 4786928 (VCV004786928.1).